The following is an entry in ClinVar:

ClinVar aggregate classification (germline): Conflicting classifications of pathogenicity. Review status: criteria provided, conflicting classifications (1 of 4 stars). 8 submissions from 8 submitters: Pathogenic (2); Likely pathogenic (4); Uncertain significance (1). 1 of the submissions does not count toward it. Last evaluated 2026-01-15.

Conditions:
Hyperinsulinemic hypoglycemia, familial, 1 (HHF1). Also called: Persistent hyperinsulinemic hypoglycemia of infancy; NESIDIOBLASTOSIS OF PANCREAS; Persistent Hyperinsulinemia Hypoglycemia of Infancy; HYPERINSULINISM, FAMILIAL, WITH PANCREATIC NESIDIOBLASTOSIS; HYPOGLYCEMIA, HYPERINSULINEMIC, OF INFANCY. Identifiers: Orphanet 276575, Orphanet 276598, MedGen C2931832, MONDO:0009734, OMIM 256450.
Diabetes mellitus, transient neonatal, 2 (TNDM2). Identifiers: Orphanet 99886, MedGen C1835887, MONDO:0012480, OMIM 610374. Disease mechanism: loss of function.
Diabetes mellitus, permanent neonatal 3. Also called: ABCC8-Related Permanent Neonatal Diabetes Mellitus. Identifiers: MedGen C5394303, MONDO:0030088, OMIM 618857.
Leucine-induced hypoglycemia (LIH). Also called: LEUCINE-SENSITIVE HYPOGLYCEMIA OF INFANCY. Identifiers: MedGen C0271714, MONDO:0009415, OMIM 240800.
Type 2 diabetes mellitus. Also called: Type II diabetes mellitus. Identifiers: MedGen C0011860, MeSH D003924, MONDO:0005148, OMIM 125853, HP:0005978.
Hereditary hyperinsulinism.

Submissions (8):

Dasa
Classification: Likely pathogenic. Last evaluated: 2026-01-15. Review status: criteria provided, single submitter. Criteria: DASA Assertion Criteria. Collection method: clinical testing. Allele origin: germline.
Comment: NM_000352.6(ABCC8):c.4055G>A (p.Arg1352His) is a missense variant that results in the substitution of arginine with histidine. The affected residue or protein region has prior evidence supporting clinical relevance. This variant has been recurrently observed in individuals with ABCC8-related disorders (PMID: 37895301; PMID: 34462253; PMID: 15356046; PMID: 31604004; PMID: 35029855). Functional evidence supports an impact on the gene or gene product. Also, this variant is rare in population databases. Computational evidence supports a deleterious effect. Based on the currently available evidence, this variant is classified as likely pathogenic.

CeGaT Center for Human Genetics Tuebingen
Classification: Pathogenic. Last evaluated: 2026-01-01. Review status: criteria provided, single submitter. Criteria: CeGaT Center For Human Genetics Tuebingen Variant Classification Criteria Version 2. Collection method: clinical testing. Allele origin: germline. Affected: yes. Observed: 1 variant allele.
Comment: ABCC8: PS4, PM5, PP1:Moderate, PM2:Supporting, PS3:Supporting

Natera, Inc.
Classification: Likely pathogenic for Hereditary hyperinsulinism. Last evaluated: 2025-03-28. Review status: criteria provided, single submitter. Criteria: Natera Variant Classification Schema (03/2026). Collection method: clinical testing. Allele origin: germline.
Comment: The c.4055G>A variant in ABCC8 is a missense variant predicted to cause substitution of arginine to histidine at amino acid 1352. The frequency of this variant in the general population is greater than expected for disorder. This variant has been observed in affected individual(s) with monoallelic occurrence (heterozygous/hemizygous) (PMID: 15356046, 22855730, 37895301). Additionally, this variant has been observed to segregate in affected family members (PMID: 15356046). A different variant at the same position has been determined to be Pathogenic or Likely Pathogenic. Computational prediction algorithms indicate this variant is likely to affect gene or protein function. Given the available evidence, this variant is classified as Likely Pathogenic.

GeneDx
Classification: Uncertain significance. Last evaluated: 2024-08-14. Review status: criteria provided, single submitter. Criteria: GeneDx Variant Classification Process June 2021. Collection method: clinical testing. Allele origin: germline. Affected: yes.
Comment: In silico analysis supports that this missense variant has a deleterious effect on protein structure/function; This variant is associated with the following publications: (PMID: 34631896, 22134088, 15356046, 34462253, 38366195, 31264968, 23563683, 31604004, 37895301, 21536946, 31110826, 36208030, 33046911, 35029855)

Fulgent Genetics
Classification: Pathogenic for Type 2 diabetes mellitus; Leucine-induced hypoglycemia; Hyperinsulinemic hypoglycemia, familial, 1; Diabetes mellitus, transient neonatal, 2; Diabetes mellitus, permanent neonatal 3. Last evaluated: 2024-02-05. Review status: criteria provided, single submitter. Criteria: ACMG Guidelines, 2015. Collection method: clinical testing. Allele origin: germline.

Baylor Genetics
Classification: Likely pathogenic for Type 2 diabetes mellitus. Last evaluated: 2023-05-22. Review status: criteria provided, single submitter. Criteria: ACMG Guidelines, 2015. Collection method: clinical testing. Allele origin: unknown.

Labcorp Genetics (formerly Invitae), Labcorp
Classification: Likely pathogenic. Last evaluated: 2023-05-02. Review status: criteria provided, single submitter. Criteria: Invitae Variant Classification Sherloc (09022015). Collection method: clinical testing. Allele origin: germline.
Comment: ClinVar contains an entry for this variant (Variation ID: 9098). Advanced modeling of protein sequence and biophysical properties (such as structural, functional, and spatial information, amino acid conservation, physicochemical variation, residue mobility, and thermodynamic stability) performed at Invitae indicates that this missense variant is expected to disrupt ABCC8 protein function. Experimental studies have shown that this missense change affects ABCC8 function (PMID: 15356046). In summary, the currently available evidence indicates that the variant is pathogenic, but additional data are needed to prove that conclusively. Therefore, this variant has been classified as Likely Pathogenic. This sequence change replaces arginine, which is basic and polar, with histidine, which is basic and polar, at codon 1352 of the ABCC8 protein (p.Arg1352His). This variant is present in population databases (rs28936370, gnomAD 0.004%). This missense change has been observed in individuals with autosomal dominant familial hyperinsulinism and/or Maturity-onset diabetes of the young (PMID: 15356046, 23563683, 31110826, 31604004, 34462253). This variant has been reported in individual(s) with autosomal dominant early onset diabetes mellitus (PMID: 31110826, 31604004); however, the role of the variant in this condition is currently unclear. This variant is also known as c.4058G>A, p.R1353H.

OMIM
Classification: Pathogenic for LEUCINE-SENSITIVE HYPOGLYCEMIA OF INFANCY. Last evaluated: 2004-09-01. Review status: no assertion criteria provided. Collection method: literature only. Allele origin: germline. Not counted in ClinVar's aggregate classification.

Literature cited by the submitters: PubMed 15356046 (cited by 4 submitters); PubMed 37895301 (cited by Dasa and Natera, Inc.); PubMed 34462253 (cited by Dasa and Labcorp Genetics (formerly Invitae), Labcorp); PubMed 31604004 (cited by Dasa and Labcorp Genetics (formerly Invitae), Labcorp); PubMed 35029855 (cited by Dasa); PubMed 22855730 (cited by Natera, Inc.); PubMed 23563683 (cited by Labcorp Genetics (formerly Invitae), Labcorp); PubMed 31110826 (cited by Labcorp Genetics (formerly Invitae), Labcorp).

NM_000352.6(ABCC8):c.4055G>A (p.Arg1352His)

Gene: ABCC8 (ATP binding cassette subfamily C member 8; minus strand). Cytogenetic location: 11p15.1.
Variant type: single nucleotide variant.
Coding change: c.4055G>A on transcript NM_000352.6 (MANE Select); coding-DNA position 4055, G replaced by A.
Protein change: p.Arg1352His; replaces arginine 1352 with histidine.
Molecular consequence: missense variant. On other transcripts: non-coding transcript variant (1).
Genome position (GRCh38, 1-based): chr11:17,396,980, C>T on the plus strand (G>A on the coding strand, the complement: ABCC8 is on the minus strand). VCF-style: chr11-17396980-C-T. GRCh37 (hg19) VCF-style: chr11-17418527-C-T.
Other names: c.4055G>A (NM_000352.3, NM_000352.4); c.4058G>A, p.Arg1353His (NM_001287174.3); c.4121G>A, p.Arg1374His (NM_001351295.2); c.4055G>A, p.Arg1352His (NM_001351296.2); c.4052G>A, p.Arg1351His (NM_001351297.2); short protein forms R1353H, R1352H, R1374H, R1351H.
Identifiers: ClinVar variation 9098 (VCV000009098.16), dbSNP rs28936370, ClinGen allele CA120108.